The following is an entry in ClinVar:

NM_031892.3(SH3KBP1):c.1850G>A (p.Arg617His)

Gene: SH3KBP1 (SH3 domain containing kinase binding protein 1; minus strand). Cytogenetic location: Xp22.12.
Variant type: single nucleotide variant.
Coding change: c.1850G>A on transcript NM_031892.3 (MANE Select); coding-DNA position 1850, G replaced by A.
Protein change: p.Arg617His; replaces arginine 617 with histidine.
Molecular consequence: missense variant.
Genome position (GRCh38, 1-based): chrX:19,541,967, C>T on the plus strand (G>A on the coding strand, the complement: SH3KBP1 is on the minus strand). VCF-style: chrX-19541967-C-T. GRCh37 (hg19) VCF-style: chrX-19560085-C-T.
Other names: c.1739G>A, p.Arg580His (NM_001024666.3); c.1136G>A, p.Arg379His (NM_001184960.2); c.1721G>A, p.Arg574His (NM_001353890.2); c.1925G>A, p.Arg642His (NM_001353891.2); c.1796G>A, p.Arg599His (NM_001353892.2); c.1748G>A, p.Arg583His (NM_001353893.2); c.1619G>A, p.Arg540His (NM_001353894.2); c.1676G>A, p.Arg559His (NM_001353895.2); and 1 more; short protein forms R580H, R617H, R540H, R336H, R559H, R574H, R599H, R642H.
Identifiers: ClinVar variation 1432220 (VCV001432220.8), dbSNP rs143279224, ClinGen allele CA10364432.
Genomic context (GRCh38, chrX:19,541,967, plus strand): 5'-GAGTCCCCAGGCACTCACTTCTGCTGGTCCTTCATGGTCTCGATGATGCTCCTCAGCTCG[C>T]GGACCTGTGTCCTTAGCTCCTCCACGGCCGCCTGGCTGCTGGCCGCAGGCTCCATCTTTG-3'
Protein context (NP_114098.1, residues 607-627): AAVEELRTQV[Arg617His]ELRSIIETMK

ClinVar aggregate classification (germline): Uncertain significance (1 of 4 stars; one submission).

Allele frequency attached by ClinVar (database versions not stated): gnomAD exomes 0.00006 and 0.00007; TOPMed 0.00008; ESP Exome Variant Server 0.00009; gnomAD 0.00009 and 0.00010; ExAC 0.00012.
gnomAD v4.1: 77 of 1,209,603 alleles (0.0064%); highest among the groups gnomAD compares: East Asian, 0.0089%; no homozygotes.

Submission:

Labcorp Genetics (formerly Invitae), Labcorp
Classification: Uncertain significance. Last evaluated: 2025-05-11. Review status: criteria provided, single submitter. Criteria: Invitae Variant Classification Sherloc (09022015). Collection method: clinical testing. Allele origin: germline.
Comment: This sequence change replaces arginine, which is basic and polar, with histidine, which is basic and polar, at codon 617 of the SH3KBP1 protein (p.Arg617His). This variant is present in population databases (rs143279224, gnomAD 0.01%). This variant has not been reported in the literature in individuals affected with SH3KBP1-related conditions. ClinVar contains an entry for this variant (Variation ID: 1432220). Invitae Evidence Modeling of protein sequence and biophysical properties (such as structural, functional, and spatial information, amino acid conservation, physicochemical variation, residue mobility, and thermodynamic stability) indicates that this missense variant is not expected to disrupt SH3KBP1 protein function with a negative predictive value of 80%. In summary, the available evidence is currently insufficient to determine the role of this variant in disease. Therefore, it has been classified as a Variant of Uncertain Significance.